The following is an entry in ClinVar:

NM_007194.4(CHEK2):c.888_908+2dup

Gene: CHEK2 (checkpoint kinase 2; minus strand). Cytogenetic location: 22q12.1.
Variant type: Duplication.
Coding change: c.888_908+2dup on transcript NM_007194.4 (MANE Select); coding-DNA position 888 through the canonical splice donor site of the intron after coding-DNA position 908, 23 bases duplicated (TTATTATATTGTTTTGGAATTGT).
Molecular consequence: splice donor variant.
Genome position (GRCh38, 1-based): chr22:28,703,503-28,703,525, ACAATTCCAAAACAATATAATAA duplicated on the plus strand (TTATTATATTGTTTTGGAATTGT on the coding strand, the reverse complement: CHEK2 is on the minus strand). VCF-style (leftmost placement, unchanged base first): chr22-28703502-T-TACAATTCCAAAACAATATAATAA. GRCh37 (hg19) VCF-style: chr22-29099490-T-TACAATTCCAAAACAATATAATAA.
Other names: c.225_245+2dup (NM_001437942.1, NM_001257387.3); c.687_707+2dup (NM_001349956.3); c.888_908+2dup (NM_145862.3); c.981_1001+2dup (NM_001438295.1, NM_001438293.1); c.1017_1037+2dup (NM_001438294.1, NM_001005735.3).
Identifiers: ClinVar variation 2696067 (VCV002696067.3), dbSNP rs2517884820, ClinGen allele CA2697552636.
Genomic context (GRCh38, chr22:28,703,502, plus strand): 5'-TCTTTGGTGGCTTTATAAAGCATTTGAATGGAAACAGAAATTTTTAAAAAGTTTACTACT[T>TACAATTCCAAAACAATATAATAA]ACAATTCCAAAACAATATAATAATCTTCTGCATCAAAAAAGTTTTTAATCTTGATGATGC-3'

ClinVar aggregate classification (germline): Uncertain significance (1 of 4 stars; one submission).

Conditions:
Familial cancer of breast. Also called: hereditary breast carcinoma; Hereditary breast cancer; BREAST CANCER, FAMILIAL. Identifiers: Orphanet 227535, MedGen C0346153, MONDO:0016419, OMIM 114480. Disease mechanism: loss of function.

Submission:

Labcorp Genetics (formerly Invitae), Labcorp
Classification: Uncertain significance for Familial cancer of breast. Last evaluated: 2023-11-15. Review status: criteria provided, single submitter. Criteria: Invitae Variant Classification Sherloc (09022015). Collection method: clinical testing. Allele origin: germline.
Comment: This sequence change falls in intron 8 of the CHEK2 gene. It does not directly change the encoded amino acid sequence of the CHEK2 protein. It affects a nucleotide within the consensus splice site. This variant is not present in population databases (gnomAD no frequency). This variant has not been reported in the literature in individuals affected with CHEK2-related conditions. Variants that disrupt the consensus splice site are a relatively common cause of aberrant splicing (PMID: 17576681, 9536098). In summary, the available evidence is currently insufficient to determine the role of this variant in disease. Therefore, it has been classified as a Variant of Uncertain Significance.

Literature cited by the submitters: PubMed 17576681; PubMed 9536098.